The following is an entry in ClinVar:

NM_057175.5(NAA15):c.708A>G (p.Gln236=)

Gene: NAA15 (N-alpha-acetyltransferase 15, NatA auxiliary subunit; plus strand). Cytogenetic location: 4q31.1.
Variant type: single nucleotide variant.
Coding change: c.708A>G on transcript NM_057175.5 (MANE Select); coding-DNA position 708, A replaced by G.
Protein change: p.Gln236=; no amino-acid change (glutamine 236 retained).
Molecular consequence: synonymous variant.
Genome position (GRCh38, 1-based): chr4:139,349,478, A>G. VCF-style: chr4-139349478-A-G. GRCh37 (hg19) VCF-style: chr4-140270632-A-G.
Other names: c.708A>G, p.Gln236= (NM_001410842.1, NM_025085.2).
Identifiers: ClinVar variation 2776510 (VCV002776510.3), dbSNP rs2530391570, ClinGen allele CA441405939.

ClinVar aggregate classification (germline): Uncertain significance (1 of 4 stars; one submission).

Allele frequency attached by ClinVar (database versions not stated): gnomAD exomes below 0.00001.
gnomAD v4.1: 2 of 1,599,942 alleles (0.00013%); highest among the groups gnomAD compares: Admixed American, 0.0017%; no homozygotes.

Submission:

Labcorp Genetics (formerly Invitae), Labcorp
Classification: Uncertain significance. Last evaluated: 2023-05-19. Review status: criteria provided, single submitter. Criteria: Invitae Variant Classification Sherloc (09022015). Collection method: clinical testing. Allele origin: germline.
Comment: In summary, the available evidence is currently insufficient to determine the role of this variant in disease. Therefore, it has been classified as a Variant of Uncertain Significance. Algorithms developed to predict the effect of sequence changes on RNA splicing suggest that this variant may create or strengthen a splice site. This variant has not been reported in the literature in individuals affected with NAA15-related conditions. This variant is not present in population databases (gnomAD no frequency). This sequence change affects codon 236 of the NAA15 mRNA. It is a 'silent' change, meaning that it does not change the encoded amino acid sequence of the NAA15 protein.